The following is an entry in ClinVar:

ClinVar aggregate classification (germline): Uncertain significance (1 of 4 stars; one submission).

Allele frequency attached by ClinVar (database versions not stated): TOPMed below 0.00001; gnomAD 0.00001.
gnomAD v4.1: 1 of 1,613,256 alleles (0.000062%); highest among the groups gnomAD compares: African/African-American, 0.0013%; no homozygotes.

Submission:

Labcorp Genetics (formerly Invitae), Labcorp
Classification: Uncertain significance. Last evaluated: 2023-05-19. Review status: criteria provided, single submitter. Criteria: Invitae Variant Classification Sherloc (09022015). Collection method: clinical testing. Allele origin: germline.
Comment: In summary, the available evidence is currently insufficient to determine the role of this variant in disease. Therefore, it has been classified as a Variant of Uncertain Significance. Advanced modeling of protein sequence and biophysical properties (such as structural, functional, and spatial information, amino acid conservation, physicochemical variation, residue mobility, and thermodynamic stability) performed at Invitae indicates that this missense variant is expected to disrupt TSPEAR protein function. This variant has not been reported in the literature in individuals affected with TSPEAR-related conditions. This variant is not present in population databases (gnomAD no frequency). This sequence change replaces glutamine, which is neutral and polar, with leucine, which is neutral and non-polar, at codon 519 of the TSPEAR protein (p.Gln519Leu).

NM_144991.3(TSPEAR):c.1556A>T (p.Gln519Leu)

Gene: TSPEAR (thrombospondin type laminin G domain and EAR repeats; minus strand). Cytogenetic location: 21q22.3.
Variant type: single nucleotide variant.
Coding change: c.1556A>T on transcript NM_144991.3 (MANE Select); coding-DNA position 1556, A replaced by T.
Protein change: p.Gln519Leu; replaces glutamine 519 with leucine.
Molecular consequence: missense variant.
Genome position (GRCh38, 1-based): chr21:44,521,893, T>A on the plus strand (A>T on the coding strand, the complement: TSPEAR is on the minus strand). VCF-style: chr21-44521893-T-A. GRCh37 (hg19) VCF-style: chr21-45941776-T-A.
Other names: c.1352A>T, p.Gln451Leu (NM_001272037.2); short protein forms Q519L, Q451L.
Identifiers: ClinVar variation 2793918 (VCV002793918.3), dbSNP rs1326528873, ClinGen allele CA410436453.